The following is an entry in ClinVar:

ClinVar aggregate classification (germline): Uncertain significance (1 of 4 stars; one submission).

Conditions:
Hereditary cryohydrocytosis with reduced stomatin. Also called: Stomatin-deficient cryohydrocytosis with neurologic defects; GLUT1 DEFICIENCY SYNDROME WITH PSEUDOHYPERKALEMIA AND HEMOLYSIS. Identifiers: Orphanet 168577, MedGen C1837206, MONDO:0012143, OMIM 608885.
Epilepsy, idiopathic generalized, susceptibility to, 12 (EIG12). Identifiers: MedGen C3553859, MONDO:0013919, OMIM 614847.
Dystonia 9 (DYT9). Also called: CHOREOATHETOSIS, KINESIGENIC, WITH EPISODIC ATAXIA AND SPASTICITY. Identifiers: Orphanet 53583, MedGen C1832855, MONDO:0010983, OMIM 601042.
Encephalopathy due to GLUT1 deficiency. Also called: GLUT1 deficiency syndrome 1, infantile onset, severe; GLUT1 deficiency syndrome 1; GLUCOSE TRANSPORT DEFECT, BLOOD-BRAIN BARRIER; Classic Glucose Transporter Type 1 Deficiency Syndrome; De Vivo disease; Glucose transporter protein syndrome. Identifiers: Orphanet 71277, MedGen C4551966, MONDO:0011724, OMIM 606777.
Childhood onset GLUT1 deficiency syndrome 2. Also called: Exertion-induced paroxysmal dyskinesia; Paroxysmal exercise-induced dystonia; PAROXYSMAL EXERCISE-INDUCED DYSKINESIA WITH OR WITHOUT EPILEPSY AND/OR HEMOLYTIC ANEMIA; PAROXYSMAL EXERTION-INDUCED DYSTONIA WITH OR WITHOUT EPILEPSY AND/OR HEMOLYTIC ANEMIA; PED WITH OR WITHOUT EPILEPSY AND/OR HEMOLYTIC ANEMIA; GLUT1 deficiency syndrome 2. Identifiers: Orphanet 98811, MedGen C1842534, MONDO:0012805, OMIM 612126.

Submission:

Juno Genomics, Hangzhou Juno Genomics, Inc
Classification: Uncertain significance for Epilepsy, idiopathic generalized, susceptibility to, 12; Dystonia 9; Encephalopathy due to GLUT1 deficiency; Childhood onset GLUT1 deficiency syndrome 2; Hereditary cryohydrocytosis with reduced stomatin. Review status: criteria provided, single submitter. Criteria: ACMG Guidelines, 2015. Collection method: clinical testing. Allele origin: germline.
Comment: Absent from controls (or at extremely low frequency if recessive) in Genome Aggregation Database.;Null variant in a gene where loss of function (LOF) is a known mechanism of disease.

NM_006516.4(SLC2A1):c.1405C>T (p.Gln469Ter)

Gene: SLC2A1 (solute carrier family 2 member 1; minus strand). Cytogenetic location: 1p34.2.
Variant type: single nucleotide variant.
Coding change: c.1405C>T on transcript NM_006516.4 (MANE Select); coding-DNA position 1405, C replaced by T.
Protein change: p.Gln469Ter; replaces glutamine 469 with a stop codon.
Molecular consequence: nonsense.
Genome position (GRCh38, 1-based): chr1:42,927,115, G>A on the plus strand (C>T on the coding strand, the complement: SLC2A1 is on the minus strand). VCF-style: chr1-42927115-G-A. GRCh37 (hg19) VCF-style: chr1-43392786-G-A.
Other names: short protein forms Q469*.
Identifiers: ClinVar variation 5006594 (VCV005006594.2).